The following is an entry in ClinVar:

ClinVar aggregate classification (germline): Conflicting classifications of pathogenicity. Review status: criteria provided, conflicting classifications (1 of 4 stars). 3 submissions from 3 submitters: Uncertain significance (2); Likely benign (1). Last evaluated 2025-03-01.

Conditions:
Cystic fibrosis (CF). Also called: MUCOVISCIDOSIS. Identifiers: Orphanet 586, MedGen C0010674, MONDO:0009061, OMIM 219700. Disease mechanism: loss of function.
Inflammatory bowel disease, immunodeficiency, and encephalopathy. Identifiers: Orphanet 565788, MedGen C4748708, MONDO:0032601, OMIM 618213.
Diaphyseal dysplasia. Also called: Camurati-Engelmann Disease; ENGELMANN DISEASE; PROGRESSIVE DIAPHYSEAL DYSPLASIA. Identifiers: Orphanet 1328, MedGen C0011989, MONDO:0007542, HP:0100252.

gnomAD v4.1: 151 of 1,528,168 alleles (0.0099%); highest among the groups gnomAD compares: South Asian, 0.17%; 1 homozygote.

Submissions (3):

Labcorp Genetics (formerly Invitae), Labcorp
Classification: Uncertain significance. Last evaluated: 2025-03-01. Review status: criteria provided, single submitter. Criteria: Invitae Variant Classification Sherloc (09022015). Collection method: clinical testing. Allele origin: germline.
Comment: This sequence change replaces proline, which is neutral and non-polar, with arginine, which is basic and polar, at codon 10 of the TGFB1 protein (p.Pro10Arg). This variant is present in population databases (rs1800470, gnomAD 0.1%). This variant has not been reported in the literature in individuals affected with TGFB1-related conditions. ClinVar contains an entry for this variant (Variation ID: 1473460). Experimental studies and prediction algorithms are not available or were not evaluated, and the functional significance of this variant is currently unknown. In summary, the available evidence is currently insufficient to determine the role of this variant in disease. Therefore, it has been classified as a Variant of Uncertain Significance.

Fulgent Genetics
Classification: Uncertain significance for Camurati-Engelmann disease type 1; Cystic fibrosis; Inflammatory bowel disease, immunodeficiency, and encephalopathy. Last evaluated: 2024-03-12. Review status: criteria provided, single submitter. Criteria: ACMG Guidelines, 2015. Collection method: clinical testing. Allele origin: germline.

Blueprint Genetics
Classification: Likely benign. Last evaluated: 2023-08-17. Review status: criteria provided, single submitter. Criteria: ACMG Guidelines, 2015. Collection method: clinical testing. Allele origin: germline.

NM_000660.7(TGFB1):c.29C>G (p.Pro10Arg)

Gene: TGFB1 (transforming growth factor beta 1; minus strand). Cytogenetic location: 19q13.2.
Variant type: single nucleotide variant.
Coding change: c.29C>G on transcript NM_000660.7 (MANE Select); coding-DNA position 29, C replaced by G.
Protein change: p.Pro10Arg; replaces proline 10 with arginine.
Molecular consequence: missense variant.
Genome position (GRCh38, 1-based): chr19:41,353,016, G>C on the plus strand (C>G on the coding strand, the complement: TGFB1 is on the minus strand). VCF-style: chr19-41353016-G-C. GRCh37 (hg19) VCF-style: chr19-41858921-G-C.
Other names: short protein forms P10R.
Identifiers: ClinVar variation 1473460 (VCV001473460.10), dbSNP rs1800470, ClinGen allele CA9460186.